The following is an entry in ClinVar:

NM_024675.4(PALB2):c.3226C>T (p.His1076Tyr)

Gene: PALB2 (partner and localizer of BRCA2; minus strand). Cytogenetic location: 16p12.2.
Variant type: single nucleotide variant.
Coding change: c.3226C>T on transcript NM_024675.4 (MANE Select); coding-DNA position 3226, C replaced by T.
Protein change: p.His1076Tyr; replaces histidine 1076 with tyrosine.
Molecular consequence: missense variant.
Genome position (GRCh38, 1-based): chr16:23,607,988, G>A on the plus strand (C>T on the coding strand, the complement: PALB2 is on the minus strand). VCF-style: chr16-23607988-G-A. GRCh37 (hg19) VCF-style: chr16-23619309-G-A.
Other names: short protein forms H1076Y.
Identifiers: ClinVar variation 492213 (VCV000492213.15), dbSNP rs1555458224, ClinGen allele CA395140018.
Genomic context (GRCh38, chr16:23,607,988, plus strand): 5'-TAATCACAATGAGCTGAAACACAGGGCTTCGCAACGACTCACTCTCTTTGGCACAGGGAT[G>A]ACTCAGGACAATAAAGAGAAGCCCCTAATTTCGGAGAAAAATAAATATCCCAAATAGACT-3'
Protein context (NP_078951.2, residues 1066-1086): EMGLLFIVLS[His1076Tyr]PCAKESESLR

ClinVar aggregate classification (germline): Conflicting classifications of pathogenicity. Review status: criteria provided, conflicting classifications (1 of 4 stars). 5 submissions from 5 submitters: Uncertain significance (3); Benign (1). 1 of the submissions does not count toward it. Last evaluated 2026-02-03.

Conditions:
Familial cancer of breast. Also called: Hereditary breast cancer; BREAST CANCER, FAMILIAL; hereditary breast carcinoma. Identifiers: Orphanet 227535, MedGen C0346153, MONDO:0016419, OMIM 114480. Disease mechanism: loss of function.
Hereditary cancer-predisposing syndrome. Also called: Tumor predisposition; Hereditary Cancer Syndrome; Neoplastic Syndromes, Hereditary; Hereditary neoplastic syndrome. Identifiers: Orphanet 140162, MedGen C0027672, MeSH D009386, MONDO:0015356.

Allele frequency attached by ClinVar (database versions not stated): gnomAD exomes 0.00001.
gnomAD v4.1: 4 of 1,614,016 alleles (0.00025%); highest among the groups gnomAD compares: East Asian, 0.0089%; no homozygotes.

Submissions (5):

Ambry Genetics
Classification: Benign for Hereditary cancer-predisposing syndrome. Last evaluated: 2026-02-03. Review status: criteria provided, single submitter. Criteria: Ambry Variant Classification Scheme 2023. Collection method: clinical testing. Allele origin: germline.

Labcorp Genetics (formerly Invitae), Labcorp
Classification: Uncertain significance for Familial cancer of breast. Last evaluated: 2024-10-13. Review status: criteria provided, single submitter. Criteria: Invitae Variant Classification Sherloc (09022015). Collection method: clinical testing. Allele origin: germline.
Comment: This sequence change replaces histidine, which is basic and polar, with tyrosine, which is neutral and polar, at codon 1076 of the PALB2 protein (p.His1076Tyr). This variant is not present in population databases (gnomAD no frequency). This missense change has been observed in individual(s) with breast and rectal cancer (PMID: 29212164, 30287823). ClinVar contains an entry for this variant (Variation ID: 492213). An algorithm developed to predict the effect of missense changes on protein structure and function (PolyPhen-2) suggests that this variant is likely to be disruptive. RNA analysis performed to evaluate the impact of this missense change on mRNA splicing indicates it does not significantly alter splicing (internal data). In summary, the available evidence is currently insufficient to determine the role of this variant in disease. Therefore, it has been classified as a Variant of Uncertain Significance.

Color Diagnostics, LLC DBA Color Health
Classification: Uncertain significance for Hereditary cancer-predisposing syndrome. Last evaluated: 2018-09-04. Review status: criteria provided, single submitter. Criteria: ACMG Guidelines, 2015. Collection method: clinical testing. Allele origin: germline.

Women's Health and Genetics/Laboratory Corporation of America, LabCorp
Classification: Uncertain significance. Last evaluated: 2016-03-21. Review status: criteria provided, single submitter. Criteria: LabCorp Variant Classification Summary - May 2015. Collection method: clinical testing. Allele origin: germline.

Leiden Open Variation Database
Classification: Uncertain significance. Last evaluated: 2018-10-10. Review status: no assertion criteria provided. Collection method: curation. Allele origin: germline. Affected: yes. Not counted in ClinVar's aggregate classification.
Comment: Curators: Marc Tischkowitz, Arleen D. Auerbach. Submitter to LOVD: Yukihide Momozawa.

Literature cited by the submitters: PubMed 29212164 (cited by Ambry Genetics and Labcorp Genetics (formerly Invitae), Labcorp); PubMed 30287823 (cited by 3 submitters).